The following is an entry in ClinVar:

NM_001378452.1(ITPR1):c.56C>T (p.Ala19Val)

Gene: ITPR1 (inositol 1,4,5-trisphosphate receptor type 1; plus strand). Cytogenetic location: 3p26.1.
Variant type: single nucleotide variant.
Coding change: c.56C>T on transcript NM_001378452.1 (MANE Select); coding-DNA position 56, C replaced by T.
Protein change: p.Ala19Val; replaces alanine 19 with valine.
Molecular consequence: missense variant.
Genome position (GRCh38, 1-based): chr3:4,516,547, C>T. VCF-style: chr3-4516547-C-T. GRCh37 (hg19) VCF-style: chr3-4558231-C-T.
Other names: c.56C>T, p.Ala19Val (NM_001099952.4, NM_001168272.2, NM_002222.7); short protein forms A19V.
Identifiers: ClinVar variation 4702885 (VCV004702885.2).
Genomic context (GRCh38, chr3:4,516,547, plus strand): 5'-AAGACATGTCTGACAAAATGTCTAGCTTCCTACATATTGGAGACATTTGTTCTCTGTACG[C>T]GGAGGGATCGACAAATGGATTTATTAGCACCTTGGGGTAAGAGCATGCAATTTCTTGTGT-3'
Protein context (NP_001365381.1, residues 9-29): LHIGDICSLY[Ala19Val]EGSTNGFIST

ClinVar aggregate classification (germline): Uncertain significance. Review status: criteria provided, multiple submitters, no conflicts (2 of 4 stars). 2 submissions from 2 submitters: Uncertain significance (2). Last evaluated 2025-08-29.

Submissions (2):

Labcorp Genetics (formerly Invitae), Labcorp
Classification: Uncertain significance. Last evaluated: 2025-08-29. Review status: criteria provided, single submitter. Criteria: Invitae Variant Classification Sherloc (09022015). Collection method: clinical testing. Allele origin: germline.
Comment: This sequence change replaces alanine, which is neutral and non-polar, with valine, which is neutral and non-polar, at codon 19 of the ITPR1 protein (p.Ala19Val). This variant is present in population databases (no rsID available, gnomAD 0.0009%). This missense change has been observed in individual(s) with spinocerebellar ataxia (PMID: 37154409). Invitae Evidence Modeling of protein sequence and biophysical properties (such as structural, functional, and spatial information, amino acid conservation, physicochemical variation, residue mobility, and thermodynamic stability) has been performed for this missense variant. However, the output from this modeling did not meet the statistical confidence thresholds required to predict the impact of this variant on ITPR1 protein function. In summary, the available evidence is currently insufficient to determine the role of this variant in disease. Therefore, it has been classified as a Variant of Uncertain Significance.

Blueprint Genetics
Classification: Uncertain significance. Last evaluated: 2021-11-05. Review status: criteria provided, single submitter. Criteria: ACMG Guidelines, 2015. Collection method: clinical testing. Allele origin: germline.

Literature cited by the submitters: PubMed 37154409 (cited by Labcorp Genetics (formerly Invitae), Labcorp).